The following is an entry in ClinVar:

ClinVar aggregate classification (germline): Likely benign (1 of 4 stars; one submission).

Allele frequency attached by ClinVar (database versions not stated): ESP Exome Variant Server 0.00186; gnomAD 0.00317; ExAC 0.00322; 1000 Genomes Project 30x 0.00328; 1000 Genomes Project 0.00339.
gnomAD v4.1: 6,115 of 1,606,234 alleles (0.38%); highest among the groups gnomAD compares: Admixed American, 0.58%; 14 homozygotes.

Submission:

CeGaT Center for Human Genetics Tuebingen
Classification: Likely benign. Last evaluated: 2026-04-01. Review status: criteria provided, single submitter. Criteria: CeGaT Center For Human Genetics Tuebingen Variant Classification Criteria Version 2. Collection method: clinical testing. Allele origin: germline. Affected: yes. Observed: 7 variant alleles.
Comment: PKD1: BS2

NM_001009944.3(PKD1):c.7703+24C>A

Gene: PKD1 (polycystin 1, transient receptor potential channel interacting; minus strand). Cytogenetic location: 16p13.3.
Variant type: single nucleotide variant.
Coding change: c.7703+24C>A on transcript NM_001009944.3 (MANE Select); 24 bases into the intron after coding-DNA position 7703, C replaced by A.
Molecular consequence: intron variant.
Genome position (GRCh38, 1-based): chr16:2,106,067, G>T on the plus strand (C>A on the coding strand, the complement: PKD1 is on the minus strand). VCF-style: chr16-2106067-G-T. GRCh37 (hg19) VCF-style: chr16-2156068-G-T.
Other names: c.7703+24C>A (NM_000296.4).
Identifiers: ClinVar variation 2646002 (VCV002646002.24), dbSNP rs375130579, ClinGen allele CA7830969.
Genomic context (GRCh38, chr16:2,106,067, plus strand): 5'-AGGGTGATGGCCAAAGACCTACGAGCAGAGGGGGGTGGTGAGCAGGTGGCAGTCTCGGGG[G>T]CGCCCTCCCACGGCCTGGCTCACCTGTTGAGGGCGACCACAGCGGCTCCCAGCTGGTCCT-3'